The following is an entry in ClinVar:

NM_001849.4(COL6A2):c.1466G>A (p.Arg489Gln)

Gene: COL6A2 (collagen type VI alpha 2 chain; plus strand). Cytogenetic location: 21q22.3.
Variant type: single nucleotide variant.
Coding change: c.1466G>A on transcript NM_001849.4 (MANE Select); coding-DNA position 1466, G replaced by A.
Protein change: p.Arg489Gln; replaces arginine 489 with glutamine.
Molecular consequence: missense variant.
Genome position (GRCh38, 1-based): chr21:46,121,563, G>A. VCF-style: chr21-46121563-G-A. GRCh37 (hg19) VCF-style: chr21-47541477-G-A.
Other names: c.1466G>A, p.Arg489Gln (NM_058174.3, NM_058175.3); short protein forms R489Q.
Identifiers: ClinVar variation 258316 (VCV000258316.25), dbSNP rs61735828, ClinGen allele CA10071910.

ClinVar aggregate classification (germline): Benign/Likely benign. Review status: criteria provided, multiple submitters, no conflicts (2 of 4 stars). 12 submissions from 11 submitters: Benign (5); Likely benign (3). 4 of the submissions do not count toward it. Last evaluated 2026-01-20.

Conditions:
Bethlem myopathy 1A. Also called: Bethlem myopathy 1; MYOPATHY, BENIGN CONGENITAL, WITH CONTRACTURES; Bethlem Muscular Dystrophy. Identifiers: Orphanet 610, MedGen CN029274, MONDO:0024530, OMIM 158810.
Collagen 6-related myopathy. Identifiers: MedGen CN117976, MONDO:0100225.
Myosclerosis. Also called: MYOPATHY, MYOSCLEROTIC; MYOSCLEROSIS, CONGENITAL, OF LOWENTHAL; Myosclerosis, congenital. Identifiers: Orphanet 289380, MedGen C1850671, MONDO:0009714, OMIM 255600.

Allele frequency attached by ClinVar (database versions not stated): gnomAD exomes 0.00174; ExAC 0.00193; gnomAD 0.00582 and 0.00627; ESP Exome Variant Server 0.00585; TOPMed 0.00667; 1000 Genomes Project 0.00759; 1000 Genomes Project 30x 0.00874.
gnomAD v4.1: 2,015 of 1,612,800 alleles (0.12%); highest among the groups gnomAD compares: African/African-American, 1.9%; 15 homozygotes.

Submissions (24):

Labcorp Genetics (formerly Invitae), Labcorp
Classification: Benign for Bethlem myopathy 1A. Last evaluated: 2026-01-20. Review status: criteria provided, single submitter. Criteria: Invitae Variant Classification Sherloc (09022015). Collection method: clinical testing. Allele origin: germline.

Laboratory for Molecular Medicine, Mass General Brigham Personalized Medicine
Classification: Likely benign. Last evaluated: 2024-03-25. Review status: criteria provided, single submitter. Criteria: ACMG Guidelines, 2015. Collection method: clinical testing. Allele origin: germline.
Comment: The p.Arg489Gln variant in COL6A2 is classified as likely benign because it has been identified in 1.9% (1392/75038) of African/African American chromosomes, including 15 total homozygotes by gnomAD (v.4.0.0). ACMG/AMP Criteria applied: BS1.

Mayo Clinic Laboratories, Mayo Clinic
Classification: Benign. Last evaluated: 2019-06-25. Review status: criteria provided, single submitter. Criteria: ACMG Guidelines, 2015. Collection method: clinical testing. Allele origin: germline. Observed: 1 variant allele.

Athena Diagnostics
Classification: Benign. Last evaluated: 2019-05-03. Review status: criteria provided, single submitter. Criteria: Athena Diagnostics Criteria. Collection method: clinical testing. Allele origin: germline.

GeneDx
Classification: Benign. Last evaluated: 2018-01-18. Review status: criteria provided, single submitter. Criteria: GeneDx Variant Classification (06012015). Collection method: clinical testing. Allele origin: germline. Affected: yes.
Comment: This variant is considered likely benign or benign based on one or more of the following criteria: it is a conservative change, it occurs at a poorly conserved position in the protein, it is predicted to be benign by multiple in silico algorithms, and/or has population frequency not consistent with disease.

Illumina Laboratory Services, Illumina
Classification: Likely benign for Myosclerosis. Last evaluated: 2017-04-27. Review status: criteria provided, single submitter. Criteria: ICSL Variant Classification Criteria 13 December 2019. Collection method: clinical testing. Allele origin: germline.
Comment: This variant was observed as part of a predisposition screen in an ostensibly healthy population. A literature search was performed for the gene, cDNA change, and amino acid change (where applicable). Publications were found based on this search. The evidence from the literature, in combination with allele frequency data from public databases where available, was sufficient to determine this variant is unlikely to cause disease. Therefore, this variant is classified as likely benign.

Illumina Laboratory Services, Illumina
Classification: Likely benign for Collagen VI-related myopathy. Last evaluated: 2017-04-27. Review status: criteria provided, single submitter. Criteria: ICSL Variant Classification Criteria 13 December 2019. Collection method: clinical testing. Allele origin: germline.
Comment: This variant was observed as part of a predisposition screen in an ostensibly healthy population. A literature search was performed for the gene, cDNA change, and amino acid change (where applicable). No publications were found based on this search. Allele frequency data from public databases allowed determination this variant is unlikely to cause disease. Therefore, this variant is classified as likely benign.

PreventionGenetics, part of Exact Sciences
Classification: Benign. Review status: criteria provided, single submitter. Criteria: ACMG Guidelines, 2015. Collection method: clinical testing. Allele origin: germline.

Dr. Peter K. Rogan Lab, Western University
No classification provided (evidence only). Condition: Clear cell carcinoma of kidney. Review status: no classification provided. Collection method: in vitro. Allele origin: not applicable. Functional consequence: retained intron. Not counted in ClinVar's aggregate classification.

Dr. Peter K. Rogan Lab, Western University
No classification provided (evidence only). Condition: Lung cancer. Review status: no classification provided. Collection method: in vitro. Allele origin: not applicable. Functional consequence: retained intron. Not counted in ClinVar's aggregate classification.

Dr. Peter K. Rogan Lab, Western University
No classification provided (evidence only). Condition: Melanoma. Review status: no classification provided. Collection method: in vitro. Allele origin: not applicable. Functional consequence: retained intron. Not counted in ClinVar's aggregate classification.

Dr. Peter K. Rogan Lab, Western University
No classification provided (evidence only). Condition: Thyroid cancer, nonmedullary, 1. Review status: no classification provided. Collection method: in vitro. Allele origin: not applicable. Functional consequence: retained intron. Not counted in ClinVar's aggregate classification.

Dr. Peter K. Rogan Lab, Western University
No classification provided (evidence only). Condition: Thyroid cancer, nonmedullary, 1. Review status: no classification provided. Collection method: in vitro. Allele origin: not applicable. Functional consequence: retained intron. Not counted in ClinVar's aggregate classification.

Dr. Peter K. Rogan Lab, Western University
No classification provided (evidence only). Condition: Uterine corpus endometrial carcinoma. Review status: no classification provided. Collection method: in vitro. Allele origin: not applicable. Functional consequence: retained intron. Not counted in ClinVar's aggregate classification.

Dr. Peter K. Rogan Lab, Western University
No classification provided (evidence only). Condition: Uterine corpus endometrial carcinoma. Review status: no classification provided. Collection method: in vitro. Allele origin: not applicable. Functional consequence: retained intron. Not counted in ClinVar's aggregate classification.

Dr. Peter K. Rogan Lab, Western University
No classification provided (evidence only). Condition: Uterine corpus endometrial carcinoma. Review status: no classification provided. Collection method: in vitro. Allele origin: not applicable. Functional consequence: retained intron. Not counted in ClinVar's aggregate classification.

Dr. Peter K. Rogan Lab, Western University
No classification provided (evidence only). Condition: Sarcoma. Review status: no classification provided. Collection method: in vitro. Allele origin: not applicable. Functional consequence: retained intron. Not counted in ClinVar's aggregate classification.

Dr. Peter K. Rogan Lab, Western University
No classification provided (evidence only). Condition: Hepatocellular carcinoma. Review status: no classification provided. Collection method: in vitro. Allele origin: not applicable. Functional consequence: retained intron. Not counted in ClinVar's aggregate classification.

Dr. Peter K. Rogan Lab, Western University
No classification provided (evidence only). Condition: Thymoma. Review status: no classification provided. Collection method: in vitro. Allele origin: not applicable. Functional consequence: retained intron. Not counted in ClinVar's aggregate classification.

Dr. Peter K. Rogan Lab, Western University
No classification provided (evidence only). Condition: Ovarian serous cystadenocarcinoma. Review status: no classification provided. Collection method: in vitro. Allele origin: not applicable. Functional consequence: retained intron. Not counted in ClinVar's aggregate classification.

Genome Diagnostics Laboratory, University Medical Center Utrecht
Classification: Likely benign. Review status: no assertion criteria provided. Collection method: clinical testing. Allele origin: germline. Affected: yes. Study: VKGL Data-share Consensus. Not counted in ClinVar's aggregate classification.

Joint Genome Diagnostic Labs from Nijmegen and Maastricht, Radboudumc and MUMC+
Classification: Benign. Review status: no assertion criteria provided. Collection method: clinical testing. Allele origin: germline. Affected: yes. Study: VKGL Data-share Consensus. Not counted in ClinVar's aggregate classification.

Laboratory of Diagnostic Genome Analysis, Leiden University Medical Center (LUMC)
Classification: Likely benign. Review status: no assertion criteria provided. Collection method: clinical testing. Allele origin: germline. Affected: yes. Study: VKGL Data-share Consensus. Not counted in ClinVar's aggregate classification.

NeuroMeGen, Hospital Clinico Santiago de Compostela
Classification: Likely pathogenic for Bethlem myopathy 1A. Last evaluated: 2018-10-08. Review status: flagged submission. Criteria: ACMG Guidelines, 2015. Collection method: clinical testing. Allele origin: unknown. Affected: yes. Observed: 1 compound heterozygote. Not counted in ClinVar's aggregate classification.
ClinVar note: Reason: Outlier claim with insufficient supporting evidence

Literature cited by the submitters: PubMed 12840783 (cited by Athena Diagnostics and Illumina Laboratory Services, Illumina); PubMed 15689448 (cited by Athena Diagnostics).